The following is an entry in ClinVar:

NM_014003.4(DHX38):c.224A>G (p.Lys75Arg)

Gene: DHX38 (DEAH-box helicase 38; plus strand). Cytogenetic location: 16q22.2.
Variant type: single nucleotide variant.
Coding change: c.224A>G on transcript NM_014003.4 (MANE Select); coding-DNA position 224, A replaced by G.
Protein change: p.Lys75Arg; replaces lysine 75 with arginine.
Molecular consequence: missense variant.
Genome position (GRCh38, 1-based): chr16:72,096,381, A>G. VCF-style: chr16-72096381-A-G. GRCh37 (hg19) VCF-style: chr16-72130280-A-G.
Other names: short protein forms K75R.
Identifiers: ClinVar variation 1415850 (VCV001415850.6), dbSNP rs1243665315, ClinGen allele CA396700037.

ClinVar aggregate classification (germline): Uncertain significance (1 of 4 stars; one submission).

Allele frequency attached by ClinVar (database versions not stated): gnomAD exomes below 0.00001.
gnomAD v4.1: 1 of 1,614,210 alleles (0.000062%); highest among the groups gnomAD compares: Admixed American, 0.0017%; no homozygotes.

Submission:

Labcorp Genetics (formerly Invitae), Labcorp
Classification: Uncertain significance. Last evaluated: 2021-11-19. Review status: criteria provided, single submitter. Criteria: Invitae Variant Classification Sherloc (09022015). Collection method: clinical testing. Allele origin: germline.
Comment: The frequency data for this variant in the population databases is considered unreliable, as metrics indicate poor data quality at this position in the gnomAD database. In summary, the available evidence is currently insufficient to determine the role of this variant in disease. Therefore, it has been classified as a Variant of Uncertain Significance. Algorithms developed to predict the effect of missense changes on protein structure and function output the following: SIFT: "Tolerated"; PolyPhen-2: "Benign"; Align-GVGD: "Class C0". The arginine amino acid residue is found in multiple mammalian species, which suggests that this missense change does not adversely affect protein function. This variant has not been reported in the literature in individuals affected with DHX38-related conditions. This sequence change replaces lysine, which is basic and polar, with arginine, which is basic and polar, at codon 75 of the DHX38 protein (p.Lys75Arg).